The following is an entry in ClinVar:

ClinVar aggregate classification (germline): Pathogenic. Review status: criteria provided, multiple submitters, no conflicts (2 of 4 stars). 2 submissions from 2 submitters: Pathogenic (2). Last evaluated 2025-02-05.

Conditions:
VPS13A-related neurodegenerative disease. Also called: LEVINE-CRITCHLEY SYNDROME; Choreoacanthocytosis; Chorea-acanthocytosis; VPS13A Disease; Choreaacanthocytosis; ACANTHOCYTOSIS WITH NEUROLOGIC DISORDER. Identifiers: Orphanet 2388, MedGen C0393576, MONDO:0008695, OMIM 200150.

Submissions (2):

Natera, Inc.
Classification: Pathogenic for Choreaacanthocytosis. Last evaluated: 2025-02-05. Review status: criteria provided, single submitter. Criteria: Natera Variant Classification Schema (03/2026). Collection method: clinical testing. Allele origin: germline.
Comment: The c.2134C>T variant in VPS13A is a nonsense variant predicted to introduce a stop codon at amino acid 712. This variant is expected to result in nonsense mediated decay, truncation, or a dysfunctional protein product. This variant is rare in the general population with a frequency below the threshold expected for the associated phenotype(s). This variant has been observed in one or more individuals affected with the associated recessive disease, as either homozygous or compound heterozygous with a second variant (PMID: 21598378). Given the available evidence, this variant is classified as Pathogenic.

Myriad Genetics, Inc.
Classification: Pathogenic for VPS13A-related neurodegenerative disease. Last evaluated: 2024-05-14. Review status: criteria provided, single submitter. Criteria: Myriad Autosomal Dominant, Autosomal Recessive and X-Linked Classification Criteria (2023). Collection method: clinical testing. Allele origin: unknown.
Comment: NM_033305.2(VPS13A):c.2134C>T(Q712*) is expected to be pathogenic in the context of VPS13A disease. This variant is predicted to lead to an abnormal or absent protein product due to the creation of a premature termination codon in VPS13A, a gene where loss-of-function variants are known to be pathogenic. Please note: this variant was assessed in the context of healthy population screening.

Literature cited by the submitters: PubMed 21598378 (cited by Natera, Inc.).

NM_033305.3(VPS13A):c.2134C>T (p.Gln712Ter)

Gene: VPS13A (vacuolar protein sorting 13 homolog A; plus strand). Cytogenetic location: 9q21.2.
Variant type: single nucleotide variant.
Coding change: c.2134C>T on transcript NM_033305.3 (MANE Select); coding-DNA position 2134, C replaced by T.
Protein change: p.Gln712Ter; replaces glutamine 712 with a stop codon.
Molecular consequence: nonsense.
Genome position (GRCh38, 1-based): chr9:77,250,193, C>T. VCF-style: chr9-77250193-C-T. GRCh37 (hg19) VCF-style: chr9-79865109-C-T.
Other names: c.2134C>T, p.Gln712Ter (NM_001018037.2, NM_001018038.3, NM_015186.4); short protein forms Q712*.
Identifiers: ClinVar variation 4063043 (VCV004063043.3).